The following is an entry in ClinVar:

ClinVar aggregate classification (germline): Conflicting classifications of pathogenicity. Review status: criteria provided, conflicting classifications (1 of 4 stars). 2 submissions from 2 submitters: Uncertain significance (1); Likely benign (1). Last evaluated 2025-01-23.

Conditions:
Inborn genetic diseases. Identifiers: MedGen C0950123, MeSH D030342.

Allele frequency attached by ClinVar (database versions not stated): gnomAD exomes 0.00001; ExAC 0.00002; gnomAD 0.00009; 1000 Genomes Project 30x 0.00042; 1000 Genomes Project 0.00053.
gnomAD v4.1: 21 of 1,206,637 alleles (0.0017%); highest among the groups gnomAD compares: African/African-American, 0.03%; no homozygotes.

Submissions (2):

Labcorp Genetics (formerly Invitae), Labcorp
Classification: Uncertain significance. Last evaluated: 2025-01-23. Review status: criteria provided, single submitter. Criteria: Invitae Variant Classification Sherloc (09022015). Collection method: clinical testing. Allele origin: germline.
Comment: This sequence change replaces phenylalanine, which is neutral and non-polar, with valine, which is neutral and non-polar, at codon 249 of the POLA1 protein (p.Phe249Val). This variant is present in population databases (rs765798973, gnomAD 0.03%), including at least one homozygous and/or hemizygous individual. This variant has not been reported in the literature in individuals affected with POLA1-related conditions. ClinVar contains an entry for this variant (Variation ID: 2893859). Invitae Evidence Modeling of protein sequence and biophysical properties (such as structural, functional, and spatial information, amino acid conservation, physicochemical variation, residue mobility, and thermodynamic stability) indicates that this missense variant is not expected to disrupt POLA1 protein function with a negative predictive value of 80%. In summary, the available evidence is currently insufficient to determine the role of this variant in disease. Therefore, it has been classified as a Variant of Uncertain Significance.

Ambry Genetics
Classification: Likely benign for Inborn genetic diseases. Last evaluated: 2024-05-20. Review status: criteria provided, single submitter. Criteria: Ambry Variant Classification Scheme 2023. Collection method: clinical testing. Allele origin: germline.

NM_001330360.2(POLA1):c.763T>G (p.Phe255Val)

Gene: POLA1 (DNA polymerase alpha 1, catalytic subunit; plus strand). Cytogenetic location: Xp22.11.
Variant type: single nucleotide variant.
Coding change: c.763T>G on transcript NM_001330360.2 (MANE Select); coding-DNA position 763, T replaced by G.
Protein change: p.Phe255Val; replaces phenylalanine 255 with valine.
Molecular consequence: missense variant. On other transcripts: non-coding transcript variant (2).
Genome position (GRCh38, 1-based): chrX:24,717,346, T>G. VCF-style: chrX-24717346-T-G. GRCh37 (hg19) VCF-style: chrX-24735463-T-G.
Other names: c.763T>G, p.Phe255Val (NM_001378303.1); c.745T>G, p.Phe249Val (NM_016937.4); c.745T>G (NM_016937.3); short protein forms F255V, F249V.
Identifiers: ClinVar variation 2893859 (VCV002893859.4), dbSNP rs765798973, ClinGen allele CA10372858.